The following is an entry in ClinVar:

NM_004429.5(EFNB1):c.192C>A (p.Cys64Ter)

Gene: EFNB1 (ephrin B1; plus strand). Cytogenetic location: Xq13.1.
Variant type: single nucleotide variant.
Coding change: c.192C>A on transcript NM_004429.5 (MANE Select); coding-DNA position 192, C replaced by A.
Protein change: p.Cys64Ter; replaces cysteine 64 with a stop codon.
Molecular consequence: nonsense.
Genome position (GRCh38, 1-based): chrX:68,838,680, C>A. VCF-style: chrX-68838680-C-A. GRCh37 (hg19) VCF-style: chrX-68058523-C-A.
Other names: short protein forms C64*.
Identifiers: ClinVar variation 3765776 (VCV003765776.1).
Genomic context (GRCh38, chrX:68,838,680, plus strand): 5'-CCTGAGTGGGAAGGGCTTGGTGATCTATCCGAAAATTGGAGACAAGCTGGACATCATCTG[C>A]CCCCGAGCAGAAGCAGGGCGGCCCTATGAGTACTACAAGCTGTACCTGGTGCGGCCTGAG-3'

ClinVar aggregate classification (germline): Pathogenic (1 of 4 stars; one submission).

Conditions:
Craniofrontonasal syndrome (CFNS). Also called: CRANIOFRONTONASAL DYSOSTOSIS. Identifiers: Orphanet 1520, MedGen C0220767, MONDO:0010570, OMIM 304110.

Submission:

Greenwood Genetic Center Diagnostic Laboratories, Greenwood Genetic Center
Classification: Pathogenic for Craniofrontonasal syndrome. Last evaluated: 2024-11-19. Review status: criteria provided, single submitter. Criteria: ACMG Guidelines, 2015. Collection method: clinical testing. Allele origin: germline. Affected: yes.
Comment: PVS1, PM2, PM6